The following is an entry in ClinVar:

ClinVar aggregate classification (germline): Uncertain significance (1 of 4 stars; one submission).

Submission:

Mayo Clinic Laboratories, Mayo Clinic
Classification: Uncertain significance. Last evaluated: 2023-08-15. Review status: criteria provided, single submitter. Criteria: ACMG Guidelines, 2015. Collection method: clinical testing. Allele origin: germline. Observed: 1 variant allele.
Comment: PP3, PM1_supporting, PM2_moderate

NM_000552.5(VWF):c.4370T>G (p.Leu1457Arg)

Gene: VWF (von Willebrand factor; minus strand). Cytogenetic location: 12p13.31.
Variant type: single nucleotide variant.
Coding change: c.4370T>G on transcript NM_000552.5 (MANE Select); coding-DNA position 4370, T replaced by G.
Protein change: p.Leu1457Arg; replaces leucine 1457 with arginine.
Molecular consequence: missense variant.
Genome position (GRCh38, 1-based): chr12:6,019,048, A>C on the plus strand (T>G on the coding strand, the complement: VWF is on the minus strand). VCF-style: chr12-6019048-A-C. GRCh37 (hg19) VCF-style: chr12-6128214-A-C.
Other names: p.Leu1457Arg; short protein forms L1457R.
Identifiers: ClinVar variation 3380072 (VCV003380072.1).